The following is an entry in ClinVar:

ClinVar aggregate classification (germline): Uncertain significance. Review status: criteria provided, multiple submitters, no conflicts (2 of 4 stars). 3 submissions from 3 submitters: Uncertain significance (3). Last evaluated 2025-05-24.

Conditions:
Hereditary cancer-predisposing syndrome. Also called: Hereditary Cancer Syndrome; Neoplastic Syndromes, Hereditary; Hereditary neoplastic syndrome; Tumor predisposition. Identifiers: Orphanet 140162, MedGen C0027672, MeSH D009386, MONDO:0015356.
Carney complex, type 1 (CNC1). Also called: CARNEY MYXOMA-ENDOCRINE COMPLEX; CARNEY COMPLEX, TYPE I. Identifiers: Orphanet 1359, MedGen C2607929, MONDO:0008057, OMIM 160980.

Allele frequency attached by ClinVar (database versions not stated): gnomAD exomes below 0.00001.
gnomAD v4.1: 2 of 1,613,022 alleles (0.00012%); highest among the groups gnomAD compares: Non-Finnish European, 0.000085%; no homozygotes.

Submissions (3):

Ambry Genetics
Classification: Uncertain significance for Hereditary cancer-predisposing syndrome. Last evaluated: 2025-05-24. Review status: criteria provided, single submitter. Criteria: Ambry Variant Classification Scheme 2023. Collection method: clinical testing. Allele origin: germline.
Comment: The p.P43S variant (also known as c.127C>T), located in coding exon 1 of the PRKAR1A gene, results from a C to T substitution at nucleotide position 127. The proline at codon 43 is replaced by serine, an amino acid with similar properties. This amino acid position is conserved. In addition, this alteration is predicted to be deleterious by in silico analysis. Since supporting evidence is limited at this time, the clinical significance of this alteration remains unclear.

Labcorp Genetics (formerly Invitae), Labcorp
Classification: Uncertain significance for Carney complex, type 1. Last evaluated: 2024-04-10. Review status: criteria provided, single submitter. Criteria: Invitae Variant Classification Sherloc (09022015). Collection method: clinical testing. Allele origin: germline.
Comment: This sequence change replaces proline, which is neutral and non-polar, with serine, which is neutral and polar, at codon 43 of the PRKAR1A protein (p.Pro43Ser). This variant is not present in population databases (gnomAD no frequency). This variant has not been reported in the literature in individuals affected with PRKAR1A-related conditions. ClinVar contains an entry for this variant (Variation ID: 837317). An algorithm developed to predict the effect of missense changes on protein structure and function (PolyPhen-2) suggests that this variant is likely to be disruptive. In summary, the available evidence is currently insufficient to determine the role of this variant in disease. Therefore, it has been classified as a Variant of Uncertain Significance.

Blueprint Genetics
Classification: Uncertain significance. Last evaluated: 2024-03-18. Review status: criteria provided, single submitter. Criteria: ACMG Guidelines, 2015. Collection method: clinical testing. Allele origin: germline.

NM_002734.5(PRKAR1A):c.127C>T (p.Pro43Ser)

Gene: PRKAR1A (protein kinase cAMP-dependent type I regulatory subunit alpha; plus strand). Cytogenetic location: 17q24.2.
Variant type: single nucleotide variant.
Coding change: c.127C>T on transcript NM_002734.5 (MANE Select); coding-DNA position 127, C replaced by T.
Protein change: p.Pro43Ser; replaces proline 43 with serine.
Molecular consequence: missense variant.
Genome position (GRCh38, 1-based): chr17:68,515,526, C>T. VCF-style: chr17-68515526-C-T. GRCh37 (hg19) VCF-style: chr17-66511667-C-T.
Other names: c.127C>T, p.Pro43Ser (NM_001276289.2, NM_001276290.1, NM_001278433.2 and 4 more transcripts); c.127C>T (NM_002734.3); short protein forms P43S.
Identifiers: ClinVar variation 837317 (VCV000837317.11), dbSNP rs1568688352, ClinGen allele CA400752021.